The following is an entry in ClinVar:

ClinVar aggregate classification (germline): Uncertain significance (1 of 4 stars; one submission).

Submission:

GeneDx
Classification: Uncertain significance. Last evaluated: 2024-05-24. Review status: criteria provided, single submitter. Criteria: GeneDx Variant Classification Process June 2021. Collection method: clinical testing. Allele origin: germline. Affected: yes.
Comment: Not observed at significant frequency in large population cohorts (gnomAD); In silico analysis supports that this missense variant has a deleterious effect on protein structure/function; Has not been previously published as pathogenic or benign to our knowledge

NM_001287491.2(TET3):c.3341C>T (p.Pro1114Leu)

Gene: TET3 (tet methylcytosine dioxygenase 3; plus strand). Cytogenetic location: 2p13.1.
Variant type: single nucleotide variant.
Coding change: c.3341C>T on transcript NM_001287491.2 (MANE Select); coding-DNA position 3341, C replaced by T.
Protein change: p.Pro1114Leu; replaces proline 1114 with leucine.
Molecular consequence: missense variant.
Genome position (GRCh38, 1-based): chr2:74,099,349, C>T. VCF-style: chr2-74099349-C-T. GRCh37 (hg19) VCF-style: chr2-74326476-C-T.
Other names: c.3062C>T, p.Pro1021Leu (NM_001366022.1); short protein forms P1021L, P1114L.
Identifiers: ClinVar variation 3381349 (VCV003381349.1).
Genomic context (GRCh38, chr2:74,099,349, plus strand): 5'-CCAAGGAAGACAATCGCTGCGTGGGCAAGATTCCCGAGGATGAGCAGCTGCATGTTCTCC[C>T]CCTGTACAAGATGGCCAACACGGATGAGTTTGGTAGCGAGGAGAACCAGAATGCAAAGGT-3'
Protein context (NP_001274420.1, residues 1104-1124): IPEDEQLHVL[Pro1114Leu]LYKMANTDEF